The following is an entry in ClinVar:

NM_032793.5(MFSD2A):c.1057C>A (p.Arg353=)

Gene: MFSD2A (MFSD2 lysolipid transporter A, lysophospholipid; plus strand). Cytogenetic location: 1p34.2.
Variant type: single nucleotide variant.
Coding change: c.1057C>A on transcript NM_032793.5 (MANE Select); coding-DNA position 1057, C replaced by A.
Protein change: p.Arg353=; no amino-acid change (arginine 353 retained).
Molecular consequence: synonymous variant. On other transcripts: intron variant (1).
Genome position (GRCh38, 1-based): chr1:39,967,673, C>A. VCF-style: chr1-39967673-C-A. GRCh37 (hg19) VCF-style: chr1-40433345-C-A.
Other names: c.1096C>A, p.Arg366= (NM_001136493.3); c.589C>A, p.Arg197= (NM_001287808.2); c.940C>A, p.Arg314= (NM_001287809.2); c.1051C>A, p.Arg351= (NM_001349821.2); c.712C>A, p.Arg238= (NM_001349823.2); c.1012-131C>A (NM_001349822.2).
Identifiers: ClinVar variation 2196214 (VCV002196214.4), dbSNP rs200248629, ClinGen allele CA21016958.

ClinVar aggregate classification (germline): Uncertain significance (1 of 4 stars; one submission).

gnomAD v4.1: 4 of 1,613,998 alleles (0.00025%); highest among the groups gnomAD compares: Non-Finnish European, 0.00034%; no homozygotes.

Submission:

Labcorp Genetics (formerly Invitae), Labcorp
Classification: Uncertain significance. Last evaluated: 2022-07-06. Review status: criteria provided, single submitter. Criteria: Invitae Variant Classification Sherloc (09022015). Collection method: clinical testing. Allele origin: germline.
Comment: This sequence change affects codon 366 of the MFSD2A mRNA. It is a 'silent' change, meaning that it does not change the encoded amino acid sequence of the MFSD2A protein. This variant is not present in population databases (gnomAD no frequency). This variant has not been reported in the literature in individuals affected with MFSD2A-related conditions. Algorithms developed to predict the effect of sequence changes on RNA splicing suggest that this variant may create or strengthen a splice site. In summary, the available evidence is currently insufficient to determine the role of this variant in disease. Therefore, it has been classified as a Variant of Uncertain Significance.